The following is an entry in ClinVar:

ClinVar aggregate classification (germline): Conflicting classifications of pathogenicity. Review status: criteria provided, conflicting classifications (1 of 4 stars). 7 submissions from 7 submitters: Uncertain significance (1); Likely benign (6). Last evaluated 2025-11-10.

Conditions:
CHARGE syndrome (CHARGE). Also called: CHARGE ASSOCIATION--COLOBOMA, HEART ANOMALY, CHOANAL ATRESIA, RETARDATION, GENITAL AND EAR ANOMALIES; Coloboma, heart anomaly, choanal atresia, retardation, genital and ear anomalies; CHARGE association; Hall-Hittner syndrome; Hittner Hirsch Kreh syndrome. Identifiers: Orphanet 138, MedGen C0265354, MONDO:0008965.
Hypogonadotropic hypogonadism 5 with or without anosmia (KAL5). Also called: HYPOGONADOTROPIC HYPOGONADISM 5 WITH ANOSMIA; HYPOGONADOTROPHIC HYPOGONADISM 5 WITHOUT ANOSMIA; CHD7-Related GnRH Deficiency (Kallmann Syndrome 5). Identifiers: Orphanet 478, MedGen C3552553, MONDO:0012880, OMIM 612370. Disease mechanism: loss of function.
Inborn genetic diseases. Identifiers: MedGen C0950123, MeSH D030342.
Congenital heart disease (CHD). Identifiers: MedGen C0152021, MONDO:0005453. Disease mechanism: unknown.

Allele frequency attached by ClinVar (database versions not stated): gnomAD exomes 0.00006 and 0.00012; gnomAD 0.00007 and 0.00008; ExAC 0.00009; TOPMed 0.00009.
gnomAD v4.1: 183 of 1,613,742 alleles (0.011%); highest among the groups gnomAD compares: Non-Finnish European, 0.015%; no homozygotes.

Submissions (7):

Labcorp Genetics (formerly Invitae), Labcorp
Classification: Likely benign for CHARGE syndrome. Last evaluated: 2025-11-10. Review status: criteria provided, single submitter. Criteria: Invitae Variant Classification Sherloc (09022015). Collection method: clinical testing. Allele origin: germline.

Fulgent Genetics
Classification: Likely benign for CHD7-related CHARGE syndrome; Hypogonadotropic hypogonadism 5 with or without anosmia. Last evaluated: 2024-05-16. Review status: criteria provided, single submitter. Criteria: ACMG Guidelines, 2015. Collection method: clinical testing. Allele origin: germline.

Blueprint Genetics
Classification: Likely benign. Last evaluated: 2023-04-13. Review status: criteria provided, single submitter. Criteria: ACMG Guidelines, 2015. Collection method: clinical testing. Allele origin: germline.

GeneDx
Classification: Likely benign. Last evaluated: 2023-03-13. Review status: criteria provided, single submitter. Criteria: GeneDx Variant Classification Process June 2021. Collection method: clinical testing. Allele origin: germline. Affected: yes.
Comment: See Variant Classification Assertion Criteria.

Revvity Omics, Revvity
Classification: Uncertain significance. Last evaluated: 2022-04-18. Review status: criteria provided, single submitter. Criteria: ACMG Guidelines, 2015. Collection method: clinical testing. Allele origin: germline.

Cambridge Genomics Laboratory, East Genomic Laboratory Hub, NHS Genomic Medicine Service
Classification: Likely benign for Congenital heart disease. Last evaluated: 2020-01-10. Review status: criteria provided, single submitter. Criteria: ACGS Best Practice Guidelines for Variant Classification in Rare Disease 2020. Collection method: clinical testing. Allele origin: germline. Affected: yes. Observed: 1 variant allele.

Ambry Genetics
Classification: Likely benign for Inborn genetic diseases. Last evaluated: 2018-11-17. Review status: criteria provided, single submitter. Criteria: Ambry Variant Classification Scheme 2023. Collection method: clinical testing. Allele origin: germline.

Literature cited by the submitters: PubMed 21158681 (cited by Ambry Genetics); PubMed 22539353 (cited by Ambry Genetics).

NM_017780.4(CHD7):c.602A>G (p.Gln201Arg)

Gene: CHD7 (chromodomain helicase DNA binding protein 7; plus strand). Cytogenetic location: 8q12.2.
Variant type: single nucleotide variant.
Coding change: c.602A>G on transcript NM_017780.4 (MANE Select); coding-DNA position 602, A replaced by G.
Protein change: p.Gln201Arg; replaces glutamine 201 with arginine.
Molecular consequence: missense variant.
Genome position (GRCh38, 1-based): chr8:60,742,034, A>G. VCF-style: chr8-60742034-A-G. GRCh37 (hg19) VCF-style: chr8-61654593-A-G.
Other names: c.602A>G, p.Gln201Arg (NM_001316690.1); short protein forms Q201R.
Identifiers: ClinVar variation 854635 (VCV000854635.19), dbSNP rs764496155, ClinGen allele CA4759351.